The following is an entry in ClinVar:

ClinVar aggregate classification (germline): Pathogenic (1 of 4 stars; one submission).

Conditions:
Epilepsy, familial focal, with variable foci 3 (FFEVF3). Identifiers: MedGen C4310708, MONDO:0014925, OMIM 617118.

Submission:

Labcorp Genetics (formerly Invitae), Labcorp
Classification: Pathogenic for Epilepsy, familial focal, with variable foci 3. Last evaluated: 2023-10-03. Review status: criteria provided, single submitter. Criteria: Invitae Variant Classification Sherloc (09022015). Collection method: clinical testing. Allele origin: unknown.
Comment: This variant is a gross deletion of the genomic region encompassing exon(s) 10-14 of the NPRL3 gene, which includes the termination codon. This deletion extends beyond the assayed region for this gene and therefore may encompass additional genes. While this deletion is not anticipated to lead to nonsense mediated decay, it is expected to alter mRNA translation or result in a truncated protein product. This variant has not been reported in the literature in individuals affected with NPRL3-related conditions. This variant disrupts a region of the NPRL3 protein in which other variant(s) (p.Pro327Leu) have been determined to be pathogenic (PMID: 32086284; Invitae). This suggests that this is a clinically significant region of the protein, and that variants that disrupt it are likely to be disease-causing. For these reasons, this variant has been classified as Pathogenic.

Literature cited by the submitters: PubMed 32086284.

NC_000016.9:g.(?_97132)_(143343_?)del

Genes: MPG (N-methylpurine DNA glycosylase; plus strand), NPRL3 (NPR3 like, GATOR1 complex subunit; minus strand), POLR3K (RNA polymerase III subunit K; minus strand), RHBDF1 (rhomboid 5 homolog 1; minus strand), SNRNP25 (small nuclear ribonucleoprotein U11/U12 subunit 25; plus strand). Cytogenetic location: 16p13.3.
Variant type: Deletion.
Identifiers: ClinVar variation 3243550 (VCV003243550.1).